The following is an entry in ClinVar:

NM_024747.6(HPS6):c.815C>T (p.Thr272Ile)

Gene: HPS6 (HPS6 biogenesis of lysosomal organelles complex 2 subunit 3; plus strand). Cytogenetic location: 10q24.32.
Variant type: single nucleotide variant.
Coding change: c.815C>T on transcript NM_024747.6 (MANE Select); coding-DNA position 815, C replaced by T.
Protein change: p.Thr272Ile; replaces threonine 272 with isoleucine.
Molecular consequence: missense variant.
Genome position (GRCh38, 1-based): chr10:102,066,289, C>T. VCF-style: chr10-102066289-C-T. GRCh37 (hg19) VCF-style: chr10-103826046-C-T.
Other names: c.815C>T (NM_024747.5); short protein forms T272I.
Identifiers: ClinVar variation 30675 (VCV000030675.4), dbSNP rs281865109, ClinGen allele CA259883.

ClinVar aggregate classification (germline): Uncertain significance. Review status: criteria provided, single submitter (1 of 4 stars). 2 submissions from 2 submitters: Uncertain significance (1). 1 of the submissions does not count toward it. Last evaluated 2023-01-24.

Conditions:
Hermansky-Pudlak syndrome 6 (HPS6). Identifiers: Orphanet 231512, Orphanet 79430, MedGen C3888007, MONDO:0013558, OMIM 614075.

gnomAD v4.1: 2 of 1,614,058 alleles (0.00012%); highest among the groups gnomAD compares: Non-Finnish European, 0.00017%; no homozygotes.

Submissions (2):

Women's Health and Genetics/Laboratory Corporation of America, LabCorp
Classification: Uncertain significance. Last evaluated: 2023-01-24. Review status: criteria provided, single submitter. Criteria: LabCorp Variant Classification Summary - May 2015. Collection method: clinical testing. Allele origin: germline.
Comment: Variant summary: HPS6 c.815C>T (p.Thr272Ile) results in a non-conservative amino acid change located in the BLOC-2 complex member HPS6, N-terminal domain (IPR046823) of the encoded protein sequence. Three of five in-silico tools predict a damaging effect of the variant on protein function. The variant was absent in 250808 control chromosomes (gnomAD). The available data on variant occurrences in the general population are insufficient to allow any conclusion about variant significance. c.815C>T has been reported in the literature in at least one compound heterozygous individual affected with Hermansky-Pudlak Syndrome (Huizing_2009). These data do not allow any conclusion about variant significance. To our knowledge, no experimental evidence demonstrating an impact on protein function has been reported. No clinical diagnostic laboratories have submitted clinical-significance assessments for this variant to ClinVar after 2014. Based on the evidence outlined above, the variant was classified as uncertain significance.

OMIM
Classification: Pathogenic for HERMANSKY-PUDLAK SYNDROME 6. Last evaluated: 2009-12-01. Review status: no assertion criteria provided. Collection method: literature only. Allele origin: germline. Not counted in ClinVar's aggregate classification.

Literature cited by the submitters: PubMed 19843503 (cited by Women's Health and Genetics/Laboratory Corporation of America, LabCorp and OMIM).